The following is an entry in ClinVar:

NM_144997.7(FLCN):c.214A>G (p.Ser72Gly)

Gene: FLCN (folliculin; minus strand). Cytogenetic location: 17p11.2.
Variant type: single nucleotide variant.
Coding change: c.214A>G on transcript NM_144997.7 (MANE Select); coding-DNA position 214, A replaced by G.
Protein change: p.Ser72Gly; replaces serine 72 with glycine.
Molecular consequence: missense variant.
Genome position (GRCh38, 1-based): chr17:17,227,924, T>C on the plus strand (A>G on the coding strand, the complement: FLCN is on the minus strand). VCF-style: chr17-17227924-T-C. GRCh37 (hg19) VCF-style: chr17-17131238-T-C.
Other names: c.214A>G, p.Ser72Gly (NM_001353229.2, NM_001353230.2, NM_001353231.2 and 1 more transcripts); short protein forms S72G.
Identifiers: ClinVar variation 1786702 (VCV001786702.7), dbSNP rs2544306010, ClinGen allele CA398535090.
Genomic context (GRCh38, chr17:17,227,924, plus strand): 5'-AAACCAAGACCCCAAAGACACTTGCCTCGCACATGTCCGACTTTTTGGGCCCCGGGCTGC[T>C]GGACTCGACGCTGGCCCCCTCTGCGGGGCTGTGCGCACGCATCCGACTGTTCATCTGAAT-3'
Protein context (NP_659434.2, residues 62-82): SPAEGASVES[Ser72Gly]SPGPKKSDMC

ClinVar aggregate classification (germline): Uncertain significance. Review status: criteria provided, multiple submitters, no conflicts (2 of 4 stars). 2 submissions from 2 submitters: Uncertain significance (2). Last evaluated 2025-04-14.

Conditions:
Birt-Hogg-Dube syndrome. Also called: Birt Hogg Dubé syndrome. Identifiers: Orphanet 122, MedGen C0346010, MONDO:0800444.
Hereditary cancer-predisposing syndrome. Also called: Tumor predisposition; Neoplastic Syndromes, Hereditary; Hereditary Cancer Syndrome; Hereditary neoplastic syndrome. Identifiers: Orphanet 140162, MedGen C0027672, MeSH D009386, MONDO:0015356.

gnomAD v4.1: 1 of 1,614,136 alleles (0.000062%); no homozygotes.

Submissions (2):

Labcorp Genetics (formerly Invitae), Labcorp
Classification: Uncertain significance for Birt-Hogg-Dube syndrome. Last evaluated: 2025-04-14. Review status: criteria provided, single submitter. Criteria: Invitae Variant Classification Sherloc (09022015). Collection method: clinical testing. Allele origin: germline.
Comment: This sequence change replaces serine, which is neutral and polar, with glycine, which is neutral and non-polar, at codon 72 of the FLCN protein (p.Ser72Gly). This variant is not present in population databases (gnomAD no frequency). This variant has not been reported in the literature in individuals affected with FLCN-related conditions. ClinVar contains an entry for this variant (Variation ID: 1786702). Invitae Evidence Modeling of protein sequence and biophysical properties (such as structural, functional, and spatial information, amino acid conservation, physicochemical variation, residue mobility, and thermodynamic stability) indicates that this missense variant is not expected to disrupt FLCN protein function with a negative predictive value of 80%. In summary, the available evidence is currently insufficient to determine the role of this variant in disease. Therefore, it has been classified as a Variant of Uncertain Significance.

Ambry Genetics
Classification: Uncertain significance for Hereditary cancer-predisposing syndrome. Last evaluated: 2022-01-08. Review status: criteria provided, single submitter. Criteria: Ambry Variant Classification Scheme 2023. Collection method: clinical testing. Allele origin: germline.
Comment: The p.S72G variant (also known as c.214A>G), located in coding exon 1 of the FLCN gene, results from an A to G substitution at nucleotide position 214. The serine at codon 72 is replaced by glycine, an amino acid with similar properties. This amino acid position is conserved. In addition, this alteration is predicted to be tolerated by in silico analysis. Since supporting evidence is limited at this time, the clinical significance of this alteration remains unclear.